The following is an entry in ClinVar:

NM_198578.4(LRRK2):c.1858T>C (p.Phe620Leu)

Gene: LRRK2 (leucine rich repeat kinase 2; plus strand). Cytogenetic location: 12q12.
Variant type: single nucleotide variant.
Coding change: c.1858T>C on transcript NM_198578.4 (MANE Select); coding-DNA position 1858, T replaced by C.
Protein change: p.Phe620Leu; replaces phenylalanine 620 with leucine.
Molecular consequence: missense variant.
Genome position (GRCh38, 1-based): chr12:40,274,910, T>C. VCF-style: chr12-40274910-T-C. GRCh37 (hg19) VCF-style: chr12-40668712-T-C.
Other names: short protein forms F620L.
Identifiers: ClinVar variation 3291861 (VCV003291861.1).
Genomic context (GRCh38, chr12:40,274,910, plus strand): 5'-CTAGAAATTCAGTGTCTGGGTTTAAGTCTTATAGGATACTTGATTACAAAGAAGAATGTG[T>C]TCATAGGAACTGGACATCTGCTGGCAAAAATTCTGGTTTCCAGCTTATACCGATTTAAGG-3'
Protein context (NP_940980.4, residues 610-630): IGYLITKKNV[Phe620Leu]IGTGHLLAKI

ClinVar aggregate classification (germline): Uncertain significance (1 of 4 stars; one submission).

Conditions:
Inborn genetic diseases. Identifiers: MedGen C0950123, MeSH D030342.

gnomAD v4.1: 1 of 1,613,532 alleles (0.000062%); highest among the groups gnomAD compares: Non-Finnish European, 0.000085%; no homozygotes.

Submission:

Ambry Genetics
Classification: Uncertain significance for Inborn genetic diseases. Last evaluated: 2024-06-04. Review status: criteria provided, single submitter. Criteria: Ambry Variant Classification Scheme 2023. Collection method: clinical testing. Allele origin: germline.
Comment: The p.F620L variant (also known as c.1858T>C), located in coding exon 16 of the LRRK2 gene, results from a T to C substitution at nucleotide position 1858. The phenylalanine at codon 620 is replaced by leucine, an amino acid with highly similar properties. This amino acid position is conserved. In addition, this alteration is predicted to be tolerated by in silico analysis. Based on the available evidence, the clinical significance of this variant remains unclear.